The following is an entry in ClinVar:

Single allele

Gene: MCTP1 (multiple C2 and transmembrane domain containing 1; minus strand). Cytogenetic location: 5q15.
Variant type: Duplication.
Identifiers: ClinVar variation 156978 (VCV000156978.2).

ClinVar aggregate classification (germline): not provided (0 of 4 stars; one submission).

Conditions:
Gestational diabetes mellitus uncontrolled. Identifiers: MedGen C3532257.

Submission:

Institute of Molecular and Cell Biology, University of Tartu
No classification provided. Condition: Gestational diabetes mellitus uncontrolled. Review status: no classification provided. Collection method: case-control. Allele origin: unknown. Affected: yes. Study: Kasak2014.
Comment: The study aimed to determine the contribution of copy number variants in the genetic etiology of normal and complicated pregnancies. The samples represented (i) maternal blood DNA drawn from healthy pregnant women during 1st or 2nd trimester and (ii) maternal and paternal blood DNA drawn at term pregnancy cases representing normal and complicated gestations (severe preeclampsia, PE; gestational diabetes, GD; small-for-gestational age newborn, SGA; large-for-gestational age newborn, LGA). We performed CNV calling based on genome-wide genotyping dataset (Illumina HumanOmniExpress-24-v1 BeadChip) by applying three algorithms, QuantiSNP, GADA (Genome Alteration Detection Algorithm) and CNstream in parallel. The acquired CNV calls were merged with HD-CNV (Hotspot Detector for Copy Number Variants) program and only the CNVs predicted by at least two programs, were considered in subsequent analysis.

Literature cited by the submitters: PubMed 25666259.